The following is an entry in ClinVar:

ClinVar aggregate classification (germline): Uncertain significance (1 of 4 stars; one submission).

gnomAD v4.1: 7 of 1,613,868 alleles (0.00043%); highest among the groups gnomAD compares: East Asian, 0.0022%; no homozygotes.

Submission:

Labcorp Genetics (formerly Invitae), Labcorp
Classification: Uncertain significance. Last evaluated: 2024-10-22. Review status: criteria provided, single submitter. Criteria: Invitae Variant Classification Sherloc (09022015). Collection method: clinical testing. Allele origin: germline.
Comment: This sequence change replaces threonine, which is neutral and polar, with isoleucine, which is neutral and non-polar, at codon 30 of the FCHO1 protein (p.Thr30Ile). This variant is not present in population databases (gnomAD no frequency). This variant has not been reported in the literature in individuals affected with FCHO1-related conditions. An algorithm developed to predict the effect of missense changes on protein structure and function (PolyPhen-2) suggests that this variant is likely to be disruptive. In summary, the available evidence is currently insufficient to determine the role of this variant in disease. Therefore, it has been classified as a Variant of Uncertain Significance.

NM_015122.3(FCHO1):c.89C>T (p.Thr30Ile)

Gene: FCHO1 (FCH and mu domain containing endocytic adaptor 1; plus strand). Cytogenetic location: 19p13.11.
Variant type: single nucleotide variant.
Coding change: c.89C>T on transcript NM_015122.3 (MANE Select); coding-DNA position 89, C replaced by T.
Protein change: p.Thr30Ile; replaces threonine 30 with isoleucine.
Molecular consequence: missense variant. On other transcripts: 5 prime UTR variant (6), non-coding transcript variant (36).
Genome position (GRCh38, 1-based): chr19:17,762,823, C>T. VCF-style: chr19-17762823-C-T. GRCh37 (hg19) VCF-style: chr19-17873632-C-T.
Other names: c.89C>T, p.Thr30Ile (NM_001384394.1, NM_001384395.1, NM_001384396.1 and 30 more transcripts); c.-62C>T (NM_001161359.2, NM_001384384.1, NM_001384385.1 and 3 more transcripts); short protein forms T30I.
Identifiers: ClinVar variation 3723572 (VCV003723572.2).